The following is an entry in ClinVar:

ClinVar aggregate classification (germline): Pathogenic. Review status: criteria provided, multiple submitters, no conflicts (2 of 4 stars). 2 submissions from 2 submitters: Pathogenic (2). Last evaluated 2025-10-22.

Conditions:
Inborn genetic diseases. Identifiers: MedGen C0950123, MeSH D030342.

Submissions (2):

Ambry Genetics
Classification: Pathogenic for Inborn genetic diseases. Last evaluated: 2025-10-22. Review status: criteria provided, single submitter. Criteria: Ambry Variant Classification Scheme 2023. Collection method: clinical testing. Allele origin: germline.
Comment: The c.1177A>T (p.K393*) alteration, located in exon 15 (coding exon 10) of the FOXP1 gene, consists of an A to T substitution at nucleotide position 1177. This changes the amino acid from a lysine (K) to a stop codon at amino acid position 393. This alteration is expected to result in loss of function by premature protein truncation or nonsense-mediated mRNA decay. This variant was not reported in population-based cohorts in the Genome Aggregation Database (gnomAD). Based on the available evidence, this alteration is classified as pathogenic.

GeneDx
Classification: Pathogenic. Last evaluated: 2020-01-13. Review status: criteria provided, single submitter. Criteria: GeneDx Variant Classification Process June 2021. Collection method: clinical testing. Allele origin: germline. Affected: yes.
Comment: Nonsense variant predicted to result in protein truncation or nonsense mediated decay in a gene for which loss-of-function is a known mechanism of disease; Not observed in large population cohorts (Lek et al., 2016); Has not been previously published as pathogenic or benign to our knowledge

NM_001349338.3(FOXP1):c.1177A>T (p.Lys393Ter)

Gene: FOXP1 (forkhead box P1; minus strand). Cytogenetic location: 3p13.
Variant type: single nucleotide variant.
Coding change: c.1177A>T on transcript NM_001349338.3 (MANE Select); coding-DNA position 1177, A replaced by T.
Protein change: p.Lys393Ter; replaces lysine 393 with a stop codon.
Molecular consequence: nonsense. On other transcripts: non-coding transcript variant (2).
Genome position (GRCh38, 1-based): chr3:70,977,999, T>A on the plus strand (A>T on the coding strand, the complement: FOXP1 is on the minus strand). VCF-style: chr3-70977999-T-A. GRCh37 (hg19) VCF-style: chr3-71027150-T-A.
Other names: c.1177A>T, p.Lys393Ter (NM_001244808.3, NM_001244810.2, NM_001244814.3 and 3 more transcripts); c.949A>T, p.Lys317Ter (NM_001244812.3); c.877A>T, p.Lys293Ter (NM_001244813.3, NM_001244815.2, NM_001349342.3 and 1 more transcripts); c.874A>T, p.Lys292Ter (NM_001349337.2, NM_001349343.3, NM_001349344.3); c.1174A>T, p.Lys392Ter (NM_001349341.3); short protein forms K393*, K317*, K292*, K293*, K392*.
Identifiers: ClinVar variation 489016 (VCV000489016.5), dbSNP rs1553668839, ClinGen allele CA353494115.